The following is an entry in ClinVar:

NM_003954.5(MAP3K14):c.889C>T (p.Pro297Ser)

Gene: MAP3K14 (mitogen-activated protein kinase kinase kinase 14; minus strand). Cytogenetic location: 17q21.31.
Variant type: single nucleotide variant.
Coding change: c.889C>T on transcript NM_003954.5 (MANE Select); coding-DNA position 889, C replaced by T.
Protein change: p.Pro297Ser; replaces proline 297 with serine.
Molecular consequence: missense variant.
Genome position (GRCh38, 1-based): chr17:45,286,694, G>A on the plus strand (C>T on the coding strand, the complement: MAP3K14 is on the minus strand). VCF-style: chr17-45286694-G-A. GRCh37 (hg19) VCF-style: chr17-43364061-G-A.
Other names: short protein forms P297S.
Identifiers: ClinVar variation 968202 (VCV000968202.8), dbSNP rs765494654, ClinGen allele CA8614256.

ClinVar aggregate classification (germline): Uncertain significance (1 of 4 stars; one submission).

Conditions:
NIK deficiency. Also called: Primary immunodeficiency with multifaceted aberrant lymphoid immunity. Identifiers: Orphanet 447731, MedGen C5680065, MONDO:0018642.

Allele frequency attached by ClinVar (database versions not stated): ExAC 0.00001; gnomAD exomes 0.00001 and 0.00002.

Submission:

Labcorp Genetics (formerly Invitae), Labcorp
Classification: Uncertain significance for NIK deficiency. Last evaluated: 2021-12-02. Review status: criteria provided, single submitter. Criteria: Invitae Variant Classification Sherloc (09022015). Collection method: clinical testing. Allele origin: germline.
Comment: ClinVar contains an entry for this variant (Variation ID: 968202). Algorithms developed to predict the effect of missense changes on protein structure and function output the following: SIFT: "Not Available"; PolyPhen-2: "Not Available"; Align-GVGD: "Not Available". The serine amino acid residue is found in multiple mammalian species, which suggests that this missense change does not adversely affect protein function. In summary, the available evidence is currently insufficient to determine the role of this variant in disease. Therefore, it has been classified as a Variant of Uncertain Significance. This variant has not been reported in the literature in individuals affected with MAP3K14-related conditions. This sequence change replaces proline, which is neutral and non-polar, with serine, which is neutral and polar, at codon 297 of the MAP3K14 protein (p.Pro297Ser). This variant is present in population databases (rs765494654, gnomAD 0.02%).